The following is an entry in ClinVar:

ClinVar aggregate classification (germline): Likely benign (1 of 4 stars; one submission).

Allele frequency attached by ClinVar (database versions not stated): gnomAD 0.00001.

Submission:

GeneDx
Classification: Likely benign. Last evaluated: 2018-04-18. Review status: criteria provided, single submitter. Criteria: GeneDx Variant Classification (06012015). Collection method: clinical testing. Allele origin: germline. Affected: yes.
Comment: This variant is considered likely benign or benign based on one or more of the following criteria: it is a conservative change, it occurs at a poorly conserved position in the protein, it is predicted to be benign by multiple in silico algorithms, and/or has population frequency not consistent with disease.

NM_001040151.2(SCN3B):c.-26+12T>C

Gene: SCN3B (sodium voltage-gated channel beta subunit 3; minus strand). Cytogenetic location: 11q24.1.
Variant type: single nucleotide variant.
Coding change: c.-26+12T>C on transcript NM_001040151.2 (MANE Select); 12 bases into the intron after 26 bases upstream of the start codon, T replaced by C.
Molecular consequence: intron variant. On other transcripts: 5 prime UTR variant (1).
Genome position (GRCh38, 1-based): chr11:123,654,214, A>G on the plus strand (T>C on the coding strand, the complement: SCN3B is on the minus strand). VCF-style: chr11-123654214-A-G. GRCh37 (hg19) VCF-style: chr11-123524922-A-G.
Other names: c.-413T>C (NM_018400.4).
Identifiers: ClinVar variation 682198 (VCV000682198.1), dbSNP rs1591352828, ClinGen allele CA915947820.
Genomic context (GRCh38, chr11:123,654,214, plus strand): 5'-TAAGCTCAGCTCGGAAGGGAGTCGCACTGCTGGCCTAGCAGCCAGGCTGTGGAAGGGTCC[A>G]GGTTGATTCACCTCTCGCCTCCCCAGGATCGGTTGCGTTCCGACTGGAATCCTCCCAGCC-3'